The following is an entry in ClinVar:

ClinVar aggregate classification (germline): Pathogenic (1 of 4 stars; one submission).

Submission:

Labcorp Genetics (formerly Invitae), Labcorp
Classification: Pathogenic. Last evaluated: 2023-06-20. Review status: criteria provided, single submitter. Criteria: Invitae Variant Classification Sherloc (09022015). Collection method: clinical testing. Allele origin: germline.
Comment: For these reasons, this variant has been classified as Pathogenic. This variant has not been reported in the literature in individuals affected with COL2A1-related conditions. This variant is not present in population databases (gnomAD no frequency). This sequence change creates a premature translational stop signal (p.Gly558Glufs*71) in the COL2A1 gene. It is expected to result in an absent or disrupted protein product. Loss-of-function variants in COL2A1 are known to be pathogenic (PMID: 20179744).

Literature cited by the submitters: PubMed 20179744.

NM_001844.5(COL2A1):c.1673del (p.Gly558fs)

Gene: COL2A1 (collagen type II alpha 1 chain; minus strand). Cytogenetic location: 12q13.11.
Variant type: Deletion.
Coding change: c.1673del on transcript NM_001844.5 (MANE Select); coding-DNA position 1673, one base deleted (G; older notation c.1673delG).
Protein change: p.Gly558fs; shifts the reading frame from glycine 558.
Molecular consequence: frameshift variant.
Genome position (GRCh38, 1-based): chr12:47,985,735, C deleted on the plus strand (G on the coding strand, the reverse complement: COL2A1 is on the minus strand); the first of 2 consecutive C bases (chr12:47,985,735-47,985,736); deleting either gives the same sequence. VCF-style (leftmost placement, unchanged base first): chr12-47985734-TC-T. GRCh37 (hg19) VCF-style: chr12-48379517-TC-T.
Other names: c.1466del, p.Gly489fs (NM_033150.3); short protein forms G558fs, G489fs.
Identifiers: ClinVar variation 2720023 (VCV002720023.3), dbSNP rs2540146769, ClinGen allele CA2697559218.